The following is an entry in ClinVar:

NM_001134363.3(RBM20):c.129GCC[6] (p.Pro48dup)

Gene: RBM20 (RNA binding motif protein 20; plus strand). Cytogenetic location: 10q25.2.
Variant type: Microsatellite.
Coding change: c.129GCC[6] on transcript NM_001134363.3 (MANE Select); six copies in a row of the 3-base unit GCC starting at c.129; the reference has five copies in a row; one copy, 3 bases duplicated; also written c.141_143dup.
Protein change: p.Pro48dup; duplicates proline 48.
Molecular consequence: inframe insertion.
Genome position (GRCh38, 1-based): chr10:110,644,595-110,644,597, GCC duplicated; duplicating any 3 consecutive bases within chr10:110,644,583-110,644,597 gives the same sequence; the position shown is the placement nearest the transcript's 3' end. VCF-style (leftmost placement, unchanged base first): chr10-110644582-A-AGCC. GRCh37 (hg19) VCF-style: chr10-112404340-A-AGCC.
Other names: c.141_143dup (NM_001134363.1); c.141_143dupGCC (NM_001134363.1).
Identifiers: ClinVar variation 1491588 (VCV001491588.8), dbSNP rs756342135, ClinGen allele CA213903194.

ClinVar aggregate classification (germline): Conflicting classifications of pathogenicity. Review status: criteria provided, conflicting classifications (1 of 4 stars). 3 submissions from 3 submitters: Uncertain significance (2); Likely benign (1). Last evaluated 2025-01-27.

Conditions:
Dilated cardiomyopathy 1DD (CMD1DD). Identifiers: Orphanet 154, MedGen C2750995, MONDO:0013168, OMIM 613172.
Cardiovascular phenotype. Identifiers: MedGen CN230736.

Submissions (3):

GeneDx
Classification: Uncertain significance. Last evaluated: 2025-01-27. Review status: criteria provided, single submitter. Criteria: GeneDx Variant Classification Process June 2021. Collection method: clinical testing. Allele origin: germline. Affected: yes.
Comment: In-frame duplication of 1 amino acids in a non-repeat region; Has not been previously published as pathogenic or benign to our knowledge

Labcorp Genetics (formerly Invitae), Labcorp
Classification: Uncertain significance for Dilated cardiomyopathy 1DD. Last evaluated: 2021-09-02. Review status: criteria provided, single submitter. Criteria: Invitae Variant Classification Sherloc (09022015). Collection method: clinical testing. Allele origin: germline.
Comment: This variant, c.141_143dup, results in the insertion of 1 amino acid(s) to the RBM20 protein (p.Pro48dup), but otherwise preserves the integrity of the reading frame. The frequency data for this variant in the population databases is considered unreliable, as metrics indicate insufficient coverage at this position in the ExAC database. This variant has not been reported in the literature in individuals affected with RBM20-related conditions. Experimental studies and prediction algorithms are not available or were not evaluated, and the functional significance of this variant is currently unknown. In summary, the available evidence is currently insufficient to determine the role of this variant in disease. Therefore, it has been classified as a Variant of Uncertain Significance.

Ambry Genetics
Classification: Likely benign for Cardiovascular phenotype. Last evaluated: 2020-02-18. Review status: criteria provided, single submitter. Criteria: Ambry Variant Classification Scheme 2023. Collection method: clinical testing. Allele origin: germline.